The following is an entry in ClinVar:

ClinVar aggregate classification (germline): Uncertain significance (1 of 4 stars; one submission).

Submission:

Labcorp Genetics (formerly Invitae), Labcorp
Classification: Uncertain significance. Last evaluated: 2022-08-23. Review status: criteria provided, single submitter. Criteria: Invitae Variant Classification Sherloc (09022015). Collection method: clinical testing. Allele origin: germline.
Comment: In summary, the available evidence is currently insufficient to determine the role of this variant in disease. Therefore, it has been classified as a Variant of Uncertain Significance. Experimental studies and prediction algorithms are not available or were not evaluated, and the functional significance of this variant is currently unknown. ClinVar contains an entry for this variant (Variation ID: 1363774). This variant has not been reported in the literature in individuals affected with GRIN2D-related conditions. This variant is present in population databases (no rsID available, gnomAD 0.01%). This variant, c.3235_3243del, results in the deletion of 3 amino acid(s) of the GRIN2D protein (p.Ala1079_Gly1081del), but otherwise preserves the integrity of the reading frame.

NM_000836.4(GRIN2D):c.3235_3243del (p.1076AGG[1])

Gene: GRIN2D (glutamate ionotropic receptor NMDA type subunit 2D; plus strand). Cytogenetic location: 19q13.33.
Variant type: Deletion.
Coding change: c.3235_3243del on transcript NM_000836.4 (MANE Select); coding-DNA positions 3235 to 3243, 9 bases deleted (GCGGGGGGC; older notation c.3235_3243delGCGGGGGGC).
Protein change: p.1076AGG[1].
Molecular consequence: inframe deletion.
Genome position (GRCh38, 1-based): chr19:48,443,161-48,443,169, GCGGGGGGC deleted; deleting any 9 consecutive bases within chr19:48,443,158-48,443,169 gives the same sequence; the c. name uses the placement nearest the transcript's 3' end. VCF-style (leftmost placement, unchanged base first): chr19-48443157-CGGCGCGGGG-C. GRCh37 (hg19) VCF-style: chr19-48946414-CGGCGCGGGG-C.
Identifiers: ClinVar variation 1363774 (VCV001363774.8), dbSNP rs1409600110, ClinGen allele CA633886963.